The following is an entry in ClinVar:

ClinVar aggregate classification (germline): Pathogenic (1 of 4 stars; one submission).

Submission:

Labcorp Genetics (formerly Invitae), Labcorp
Classification: Pathogenic. Last evaluated: 2025-04-16. Review status: criteria provided, single submitter. Criteria: Invitae Variant Classification Sherloc (09022015). Collection method: clinical testing. Allele origin: germline.
Comment: This sequence change creates a premature translational stop signal (p.Glu2634*) in the CENPF gene. It is expected to result in an absent or disrupted protein product. Loss-of-function variants in CENPF are known to be pathogenic (PMID: 25564561, 26820108). This variant is not present in population databases (gnomAD no frequency). This variant has not been reported in the literature in individuals affected with CENPF-related conditions. ClinVar contains an entry for this variant (Variation ID: 2034456). For these reasons, this variant has been classified as Pathogenic.

Literature cited by the submitters: PubMed 25564561; PubMed 26820108.

NM_016343.4(CENPF):c.7900G>T (p.Glu2634Ter)

Gene: CENPF (centromere protein F; plus strand). Cytogenetic location: 1q41.
Variant type: single nucleotide variant.
Coding change: c.7900G>T on transcript NM_016343.4 (MANE Select); coding-DNA position 7900, G replaced by T.
Protein change: p.Glu2634Ter; replaces glutamic acid 2634 with a stop codon.
Molecular consequence: nonsense.
Genome position (GRCh38, 1-based): chr1:214,648,744, G>T. VCF-style: chr1-214648744-G-T. GRCh37 (hg19) VCF-style: chr1-214822087-G-T.
Other names: short protein forms E2634*.
Identifiers: ClinVar variation 2034456 (VCV002034456.4), dbSNP rs2528427978, ClinGen allele CA344853530.